The following is an entry in ClinVar:

ClinVar aggregate classification (germline): Uncertain significance (1 of 4 stars; one submission).

Conditions:
Hereditary cancer-predisposing syndrome. Also called: Hereditary neoplastic syndrome; Neoplastic Syndromes, Hereditary; Tumor predisposition; Hereditary Cancer Syndrome. Identifiers: Orphanet 140162, MedGen C0027672, MeSH D009386, MONDO:0015356.

Submission:

Ambry Genetics
Classification: Uncertain significance for Hereditary cancer-predisposing syndrome. Last evaluated: 2025-08-27. Review status: criteria provided, single submitter. Criteria: Ambry Variant Classification Scheme 2023. Collection method: clinical testing. Allele origin: germline.
Comment: The p.E92V variant (also known as c.275A>T), located in coding exon 3 of the MUTYH gene, results from an A to T substitution at nucleotide position 275. The glutamic acid at codon 92 is replaced by valine, an amino acid with dissimilar properties. This amino acid position is conserved. In addition, the in silico prediction for this alteration is inconclusive. Based on the available evidence, the clinical significance of this variant remains unclear.

NM_001048174.2(MUTYH):c.191A>T (p.Glu64Val)

Gene: MUTYH (mutY DNA glycosylase; minus strand). Cytogenetic location: 1p34.1.
Variant type: single nucleotide variant.
Coding change: c.191A>T on transcript NM_001048174.2 (MANE Select); coding-DNA position 191, A replaced by T.
Protein change: p.Glu64Val; replaces glutamic acid 64 with valine.
Molecular consequence: missense variant. On other transcripts: 5 prime UTR variant (6), non-coding transcript variant (7).
Genome position (GRCh38, 1-based): chr1:45,333,486, T>A on the plus strand (A>T on the coding strand, the complement: MUTYH is on the minus strand). VCF-style: chr1-45333486-T-A. GRCh37 (hg19) VCF-style: chr1-45799158-T-A.
Other names: c.233A>T, p.Glu78Val (NM_001407083.1, NM_001407085.1, NM_001407073.1); c.194A>T, p.Glu65Val (NM_001407086.1, NM_001048172.2, NM_001407071.1 and 2 more transcripts); c.212A>T, p.Glu71Val (NM_001407087.1); c.191A>T, p.Glu64Val (NM_001407088.1, NM_001407089.1, NM_001048171.2 and 6 more transcripts); c.-86A>T (NM_001407091.1, NM_001293192.2, NM_001293196.2); c.266A>T, p.Glu89Val (NM_012222.3, NM_001407069.1); c.275A>T, p.Glu92Val (NM_001128425.2); c.236A>T, p.Glu79Val (NM_001293190.2); and 3 more; short protein forms E36V, E65V, E89V, E64V, E71V, E75V, E79V, E78V.
Identifiers: ClinVar variation 4113570 (VCV004113570.1).